The following is an entry in ClinVar:

NM_001189.4(NKX3-2):c.539G>A (p.Gly180Glu)

Gene: NKX3-2 (NK3 homeobox 2; minus strand). Cytogenetic location: 4p15.33.
Variant type: single nucleotide variant.
Coding change: c.539G>A on transcript NM_001189.4 (MANE Select); coding-DNA position 539, G replaced by A.
Protein change: p.Gly180Glu; replaces glycine 180 with glutamic acid.
Molecular consequence: missense variant.
Genome position (GRCh38, 1-based): chr4:13,542,456, C>T on the plus strand (G>A on the coding strand, the complement: NKX3-2 is on the minus strand). VCF-style: chr4-13542456-C-T. GRCh37 (hg19) VCF-style: chr4-13544080-C-T.
Other names: c.539G>A (NM_001189.3); short protein forms G180E.
Identifiers: ClinVar variation 1364991 (VCV001364991.4), dbSNP rs199921924, ClinGen allele CA2860357.

ClinVar aggregate classification (germline): Uncertain significance. Review status: criteria provided, multiple submitters, no conflicts (2 of 4 stars). 2 submissions from 2 submitters: Uncertain significance (2). Last evaluated 2024-10-11.

Conditions:
Inborn genetic diseases. Identifiers: MedGen C0950123, MeSH D030342.

Allele frequency attached by ClinVar (database versions not stated): gnomAD exomes 0.00008; ExAC 0.00015; gnomAD 0.00027 and 0.00029; 1000 Genomes Project 0.00040; TOPMed 0.00041; 1000 Genomes Project 30x 0.00062.
gnomAD v4.1: 82 of 1,590,182 alleles (0.0052%); highest among the groups gnomAD compares: African/African-American, 0.095%; no homozygotes.

Submissions (2):

Ambry Genetics
Classification: Uncertain significance for Inborn genetic diseases. Last evaluated: 2024-10-11. Review status: criteria provided, single submitter. Criteria: Ambry Variant Classification Scheme 2023. Collection method: clinical testing. Allele origin: germline.

Labcorp Genetics (formerly Invitae), Labcorp
Classification: Uncertain significance. Last evaluated: 2022-10-04. Review status: criteria provided, single submitter. Criteria: Invitae Variant Classification Sherloc (09022015). Collection method: clinical testing. Allele origin: germline.
Comment: This sequence change replaces glycine, which is neutral and non-polar, with glutamic acid, which is acidic and polar, at codon 180 of the NKX3-2 protein (p.Gly180Glu). This variant is present in population databases (rs199921924, gnomAD 0.1%). This variant has not been reported in the literature in individuals affected with NKX3-2-related conditions. ClinVar contains an entry for this variant (Variation ID: 1364991). Advanced modeling of protein sequence and biophysical properties (such as structural, functional, and spatial information, amino acid conservation, physicochemical variation, residue mobility, and thermodynamic stability) performed at Invitae indicates that this missense variant is not expected to disrupt NKX3-2 protein function. In summary, the available evidence is currently insufficient to determine the role of this variant in disease. Therefore, it has been classified as a Variant of Uncertain Significance.